The following is an entry in ClinVar:

ClinVar aggregate classification (germline): Uncertain significance (1 of 4 stars; one submission).

Conditions:
Bardet-Biedl syndrome (BBS). Identifiers: Orphanet 110, MedGen C0752166, MONDO:0015229.

Allele frequency attached by ClinVar (database versions not stated): gnomAD exomes below 0.00001; ExAC 0.00001.

Submission:

Labcorp Genetics (formerly Invitae), Labcorp
Classification: Uncertain significance for Bardet-Biedl syndrome. Last evaluated: 2025-01-27. Review status: criteria provided, single submitter. Criteria: Invitae Variant Classification Sherloc (09022015). Collection method: clinical testing. Allele origin: germline.
Comment: This sequence change replaces lysine, which is basic and polar, with glutamic acid, which is acidic and polar, at codon 310 of the WDPCP protein (p.Lys310Glu). This variant is present in population databases (rs776966886, gnomAD 0.003%). This variant has not been reported in the literature in individuals affected with WDPCP-related conditions. ClinVar contains an entry for this variant (Variation ID: 2867412). Invitae Evidence Modeling of protein sequence and biophysical properties (such as structural, functional, and spatial information, amino acid conservation, physicochemical variation, residue mobility, and thermodynamic stability) indicates that this missense variant is not expected to disrupt WDPCP protein function with a negative predictive value of 80%. In summary, the available evidence is currently insufficient to determine the role of this variant in disease. Therefore, it has been classified as a Variant of Uncertain Significance.

NM_015910.7(WDPCP):c.928A>G (p.Lys310Glu)

Gene: WDPCP (WD repeat containing planar cell polarity effector; minus strand). Cytogenetic location: 2p15.
Variant type: single nucleotide variant.
Coding change: c.928A>G on transcript NM_015910.7 (MANE Select); coding-DNA position 928, A replaced by G.
Protein change: p.Lys310Glu; replaces lysine 310 with glutamic acid.
Molecular consequence: missense variant. On other transcripts: non-coding transcript variant (3).
Genome position (GRCh38, 1-based): chr2:63,404,555, T>C on the plus strand (A>G on the coding strand, the complement: WDPCP is on the minus strand). VCF-style: chr2-63404555-T-C. GRCh37 (hg19) VCF-style: chr2-63631690-T-C.
Other names: c.451A>G, p.Lys151Glu (NM_001042692.3); c.856A>G, p.Lys286Glu (NM_001354044.2); c.928A>G, p.Lys310Glu (NM_001354045.2); short protein forms K310E, K151E, K286E.
Identifiers: ClinVar variation 2867412 (VCV002867412.3), dbSNP rs776966886, ClinGen allele CA1682307.